The following is an entry in ClinVar:

ClinVar aggregate classification (germline): Conflicting classifications of pathogenicity. Review status: criteria provided, conflicting classifications (1 of 4 stars). 5 submissions from 5 submitters: Pathogenic (1); Uncertain significance (4). Last evaluated 2025-04-28.

Conditions:
Retinal dystrophy. Also called: Inherited retinal dystrophy. Identifiers: Orphanet 71862, MedGen C0854723, MeSH D058499, MONDO:0019118, HP:0000556.
USH2A-related disorder. Also called: USH2A-related condition; USH2A-related disorders. Identifiers: MedGen CN239332.

Allele frequency attached by ClinVar (database versions not stated): gnomAD exomes below 0.00001.
gnomAD v4.1: 1 of 1,613,564 alleles (0.000062%); highest among the groups gnomAD compares: Admixed American, 0.0017%; no homozygotes.

Submissions (5):

Women's Health and Genetics/Laboratory Corporation of America, LabCorp
Classification: Uncertain significance. Last evaluated: 2025-04-28. Review status: criteria provided, single submitter. Criteria: LabCorp Variant Classification Summary - May 2015. Collection method: clinical testing. Allele origin: germline.
Comment: Variant summary: USH2A c.6835G>C (p.Asp2279His) results in a non-conservative amino acid change located in the Fibronectin type III domain (IPR003961) of the encoded protein sequence. Four of five in-silico tools predict a damaging effect of the variant on protein function. The variant allele was found at a frequency of 4e-06 in 250976 control chromosomes (gnomAD). The available data on variant occurrences in the general population are insufficient to allow any conclusion about variant significance. c.6835G>C has been observed in individuals affected with autosomal recessive retinitis pigmentosa (Hufnagel_2022, Micevych_2023). These reports do not provide unequivocal conclusions about association of the variant with Usher Syndrome. To our knowledge, no experimental evidence demonstrating an impact on protein function has been reported. The following publications have been ascertained in the context of this evaluation (PMID: 35266249, 39462066, 36646238). ClinVar contains an entry for this variant (Variation ID: 867223). Based on the evidence outlined above, the variant was classified as uncertain significance.

GeneDx
Classification: Uncertain significance. Last evaluated: 2024-01-16. Review status: criteria provided, single submitter. Criteria: GeneDx Variant Classification Process June 2021. Collection method: clinical testing. Allele origin: germline. Affected: yes.
Comment: Identified in a patient with Usher syndrome or autosomal recessive retinitis pigmentosa in published literature, however, genotype and phenotype information was not provided for the reported patient (PMID: 35266249); Not observed at significant frequency in large population cohorts (gnomAD); In silico analysis supports that this missense variant has a deleterious effect on protein structure/function; This variant is associated with the following publications: (PMID: 35266249)

Blueprint Genetics
Classification: Pathogenic for USH2A-related disorders. Last evaluated: 2022-03-18. Review status: criteria provided, single submitter. Criteria: ACMG Guidelines, 2015. Collection method: clinical testing. Allele origin: germline. Affected: yes. Observed: 3 variant alleles.

Labcorp Genetics (formerly Invitae), Labcorp
Classification: Uncertain significance. Last evaluated: 2021-08-13. Review status: criteria provided, single submitter. Criteria: Invitae Variant Classification Sherloc (09022015). Collection method: clinical testing. Allele origin: germline.
Comment: This sequence change replaces aspartic acid with histidine at codon 2279 of the USH2A protein (p.Asp2279His). The aspartic acid residue is highly conserved and there is a moderate physicochemical difference between aspartic acid and histidine. This variant is not present in population databases (ExAC no frequency). This missense change has been observed in individual(s) with clinical features of USH2A-related conditions (Invitae). Algorithms developed to predict the effect of missense changes on protein structure and function output the following: SIFT: "Deleterious"; PolyPhen-2: "Benign"; Align-GVGD: "Class C65". The histidine amino acid residue is found in multiple mammalian species, which suggests that this missense change does not adversely affect protein function. In summary, the available evidence is currently insufficient to determine the role of this variant in disease. Therefore, it has been classified as a Variant of Uncertain Significance.

Institute of Human Genetics, Univ. Regensburg, Univ. Regensburg
Classification: Uncertain significance for Retinal dystrophy. Last evaluated: 2018-01-01. Review status: criteria provided, single submitter. Criteria: ACMG Guidelines, 2015. Collection method: clinical testing. Allele origin: germline. Affected: yes.

Literature cited by the submitters: PubMed 35266249 (cited by Women's Health and Genetics/Laboratory Corporation of America, LabCorp and Institute of Human Genetics, Univ. Regensburg, Univ. Regensburg); PubMed 39462066 (cited by Women's Health and Genetics/Laboratory Corporation of America, LabCorp); PubMed 36646238 (cited by Women's Health and Genetics/Laboratory Corporation of America, LabCorp).

NM_206933.4(USH2A):c.6835G>C (p.Asp2279His)

Gene: USH2A (usherin; minus strand). Cytogenetic location: 1q41.
Variant type: single nucleotide variant.
Coding change: c.6835G>C on transcript NM_206933.4 (MANE Select); coding-DNA position 6835, G replaced by C.
Protein change: p.Asp2279His; replaces aspartic acid 2279 with histidine.
Molecular consequence: missense variant.
Genome position (GRCh38, 1-based): chr1:215,970,747, C>G on the plus strand (G>C on the coding strand, the complement: USH2A is on the minus strand). VCF-style: chr1-215970747-C-G. GRCh37 (hg19) VCF-style: chr1-216144089-C-G.
Other names: short protein forms D2279H.
Identifiers: ClinVar variation 867223 (VCV000867223.14), dbSNP rs1421761057, ClinGen allele CA344854604.